The following is an entry in ClinVar:

ClinVar aggregate classification (germline): Uncertain significance. Review status: criteria provided, multiple submitters, no conflicts (2 of 4 stars). 2 submissions from 2 submitters: Uncertain significance (2). Last evaluated 2026-05-01.

Conditions:
Infantile-onset X-linked spinal muscular atrophy. Also called: Spinal Muscular Atrophy, X-Linked Infantile; SPINAL MUSCULAR ATROPHY, X-LINKED LETHAL INFANTILE; AMC, DISTAL, X-LINKED; ARTHROGRYPOSIS, X-LINKED, TYPE I; Spinal muscular atrophy, X-linked 2. Identifiers: Orphanet 1145, MedGen C1844934, MONDO:0010532, OMIM 301830.

Allele frequency attached by ClinVar (database versions not stated): TOPMed below 0.00001.

Submissions (2):

CeGaT Center for Human Genetics Tuebingen
Classification: Uncertain significance. Last evaluated: 2026-05-01. Review status: criteria provided, single submitter. Criteria: CeGaT Center For Human Genetics Tuebingen Variant Classification Criteria Version 2. Collection method: clinical testing. Allele origin: germline. Affected: yes. Observed: 1 variant allele.
Comment: UBA1: PM2, BP4

Labcorp Genetics (formerly Invitae), Labcorp
Classification: Uncertain significance for Infantile-onset X-linked spinal muscular atrophy. Last evaluated: 2019-05-09. Review status: criteria provided, single submitter. Criteria: Invitae Variant Classification Sherloc (09022015). Collection method: clinical testing. Allele origin: germline.
Comment: This variant is not present in population databases (ExAC no frequency). In summary, the available evidence is currently insufficient to determine the role of this variant in disease. Therefore, it has been classified as a Variant of Uncertain Significance. Algorithms developed to predict the effect of missense changes on protein structure and function output the following: SIFT: "Tolerated"; PolyPhen-2: "Benign"; Align-GVGD: "Class C0". The valine amino acid residue is found in multiple mammalian species, suggesting that this missense change does not adversely affect protein function. These predictions have not been confirmed by published functional studies and their clinical significance is uncertain. This variant has not been reported in the literature in individuals with UBA1-related conditions. This sequence change replaces isoleucine with valine at codon 287 of the UBA1 protein (p.Ile287Val). The isoleucine residue is weakly conserved and there is a small physicochemical difference between isoleucine and valine.

NM_003334.4(UBA1):c.859A>G (p.Ile287Val)

Gene: UBA1 (ubiquitin like modifier activating enzyme 1; plus strand). Cytogenetic location: Xp11.3.
Variant type: single nucleotide variant.
Coding change: c.859A>G on transcript NM_003334.4 (MANE Select); coding-DNA position 859, A replaced by G.
Protein change: p.Ile287Val; replaces isoleucine 287 with valine.
Molecular consequence: missense variant.
Genome position (GRCh38, 1-based): chrX:47,202,203, A>G. VCF-style: chrX-47202203-A-G. GRCh37 (hg19) VCF-style: chrX-47061602-A-G.
Other names: c.859A>G, p.Ile287Val (NM_153280.3); short protein forms I287V.
Identifiers: ClinVar variation 845215 (VCV000845215.11), dbSNP rs1556788364, ClinGen allele CA412794648.
Genomic context (GRCh38, chrX:47,202,203, plus strand): 5'-CTGCCCTCTGTAGGTCCTTATACCTTTAGCATCTGTGACACCTCCAACTTCTCCGACTAC[A>G]TCCGTGGAGGCATCGTCAGTCAGGTCAAAGTACCTAAGAAGATTAGCTTTGTGAGTGTGT-3'
Protein context (NP_003325.2, residues 277-297): ICDTSNFSDY[Ile287Val]RGGIVSQVKV